The following is an entry in ClinVar:

ClinVar aggregate classification (germline): Uncertain significance (1 of 4 stars; one submission).

gnomAD v4.1: 21 of 1,613,690 alleles (0.0013%); highest among the groups gnomAD compares: East Asian, 0.0022%; no homozygotes.

Submission:

Labcorp Genetics (formerly Invitae), Labcorp
Classification: Uncertain significance. Last evaluated: 2025-03-21. Review status: criteria provided, single submitter. Criteria: Invitae Variant Classification Sherloc (09022015). Collection method: clinical testing. Allele origin: germline.
Comment: This sequence change replaces threonine, which is neutral and polar, with methionine, which is neutral and non-polar, at codon 556 of the KANK4 protein (p.Thr556Met). This variant is present in population databases (rs538607952, gnomAD 0.006%). This variant has not been reported in the literature in individuals affected with KANK4-related conditions. An algorithm developed to predict the effect of missense changes on protein structure and function (PolyPhen-2) suggests that this variant is likely to be tolerated. In summary, the available evidence is currently insufficient to determine the role of this variant in disease. Therefore, it has been classified as a Variant of Uncertain Significance.

NM_181712.5(KANK4):c.1667C>T (p.Thr556Met)

Gene: KANK4 (KN motif and ankyrin repeat domains 4; minus strand). Cytogenetic location: 1p31.3.
Variant type: single nucleotide variant.
Coding change: c.1667C>T on transcript NM_181712.5 (MANE Select); coding-DNA position 1667, C replaced by T.
Protein change: p.Thr556Met; replaces threonine 556 with methionine.
Molecular consequence: missense variant. On other transcripts: intron variant (1).
Genome position (GRCh38, 1-based): chr1:62,273,437, G>A on the plus strand (C>T on the coding strand, the complement: KANK4 is on the minus strand). VCF-style: chr1-62273437-G-A. GRCh37 (hg19) VCF-style: chr1-62739109-G-A.
Other names: c.17-1848C>T (NM_001320269.2); short protein forms T556M.
Identifiers: ClinVar variation 4695628 (VCV004695628.1).